The following is an entry in ClinVar:

NM_001089.3(ABCA3):c.4326_4327insA (p.Gly1443fs)

Gene: ABCA3 (ATP binding cassette subfamily A member 3; minus strand). Cytogenetic location: 16p13.3.
Variant type: Insertion.
Coding change: c.4326_4327insA on transcript NM_001089.3 (MANE Select); coding-DNA positions 4326 to 4327, A inserted.
Protein change: p.Gly1443fs; shifts the reading frame from glycine 1443.
Molecular consequence: frameshift variant.
Genome position: GRCh38 VCF-style: chr16-2281059-C-CT. GRCh37 (hg19) VCF-style: chr16-2331060-C-CT.
Other names: short protein forms G1443fs.
Identifiers: ClinVar variation 5015800 (VCV005015800.1).

ClinVar aggregate classification (germline): Pathogenic (1 of 4 stars; one submission).

Conditions:
Interstitial lung disease due to ABCA3 deficiency. Also called: PULMONARY ALVEOLAR PROTEINOSIS, CONGENITAL, 3. Identifiers: Orphanet 440402, MedGen C1970456, MONDO:0012582, OMIM 610921.

Submission:

Myriad Genetics, Inc.
Classification: Pathogenic for Interstitial lung disease due to ABCA3 deficiency. Last evaluated: 2026-04-14. Review status: criteria provided, single submitter. Criteria: Myriad Autosomal Dominant, Autosomal Recessive and X-Linked Classification Criteria (2023). Collection method: clinical testing. Allele origin: unknown.
Comment: NM_001089.2(ABCA3):c.4326_4327insA(G1443Rfs*8) is expected to be pathogenic in the context of surfactant deficiency, ABCA3-related. This variant is predicted to lead to an abnormal or absent protein product due to the creation of a premature termination codon in ABCA3, a gene where loss-of-function variants are known to be pathogenic. Please note: this variant was assessed in the context of healthy population screening.